The following is an entry in ClinVar:

NM_001101362.3(KBTBD13):c.392A>C (p.Asp131Ala)

Gene: KBTBD13 (kelch repeat and BTB domain containing 13; plus strand). Cytogenetic location: 15q22.31.
Variant type: single nucleotide variant.
Coding change: c.392A>C on transcript NM_001101362.3 (MANE Select); coding-DNA position 392, A replaced by C.
Protein change: p.Asp131Ala; replaces aspartic acid 131 with alanine.
Molecular consequence: missense variant.
Genome position (GRCh38, 1-based): chr15:65,077,207, A>C. VCF-style: chr15-65077207-A-C. GRCh37 (hg19) VCF-style: chr15-65369545-A-C.
Other names: short protein forms D131A.
Identifiers: ClinVar variation 3020933 (VCV003020933.3), dbSNP rs980512353, ClinGen allele CA392860411.

ClinVar aggregate classification (germline): Uncertain significance (1 of 4 stars; one submission).

Conditions:
Nemaline myopathy 6 (NEM6). Also called: Nemaline myopathy 6, autosomal dominant. Identifiers: Orphanet 171439, MedGen C1836472, MONDO:0012237, OMIM 609273.

Submission:

Labcorp Genetics (formerly Invitae), Labcorp
Classification: Uncertain significance for Nemaline myopathy 6. Last evaluated: 2023-08-10. Review status: criteria provided, single submitter. Criteria: Invitae Variant Classification Sherloc (09022015). Collection method: clinical testing. Allele origin: germline.
Comment: In summary, the available evidence is currently insufficient to determine the role of this variant in disease. Therefore, it has been classified as a Variant of Uncertain Significance. Advanced modeling of protein sequence and biophysical properties (such as structural, functional, and spatial information, amino acid conservation, physicochemical variation, residue mobility, and thermodynamic stability) performed at Invitae indicates that this missense variant is not expected to disrupt KBTBD13 protein function. This variant has not been reported in the literature in individuals affected with KBTBD13-related conditions. This variant is not present in population databases (gnomAD no frequency). This sequence change replaces aspartic acid, which is acidic and polar, with alanine, which is neutral and non-polar, at codon 131 of the KBTBD13 protein (p.Asp131Ala).